The following is an entry in ClinVar:

NM_003242.6(TGFBR2):c.619C>G (p.Arg207Gly)

Gene: TGFBR2 (transforming growth factor beta receptor 2; plus strand). Cytogenetic location: 3p24.1.
Variant type: single nucleotide variant.
Coding change: c.619C>G on transcript NM_003242.6 (MANE Select); coding-DNA position 619, C replaced by G.
Protein change: p.Arg207Gly; replaces arginine 207 with glycine.
Molecular consequence: missense variant. On other transcripts: intron variant (1).
Genome position (GRCh38, 1-based): chr3:30,671,802, C>G. VCF-style: chr3-30671802-C-G. GRCh37 (hg19) VCF-style: chr3-30713294-C-G.
Other names: c.694C>G, p.Arg232Gly (NM_001024847.3); c.802C>G, p.Arg268Gly (NM_001407126.1); c.727C>G, p.Arg243Gly (NM_001407127.1); c.646C>G, p.Arg216Gly (NM_001407128.1); c.622C>G, p.Arg208Gly (NM_001407129.1); c.619C>G, p.Arg207Gly (NM_001407130.1); c.514C>G, p.Arg172Gly (NM_001407132.1, NM_001407133.1, NM_001407136.1 and 2 more transcripts); c.334C>G, p.Arg112Gly (NM_001407137.1); and 2 more; short protein forms R112G, R172G, R207G, R208G, R216G, R232G, R243G, R268G.
Identifiers: ClinVar variation 3075302 (VCV003075302.1), dbSNP rs775640617, ClinGen allele CA351807496.

ClinVar aggregate classification (germline): Uncertain significance (1 of 4 stars; one submission).

Conditions:
Loeys-Dietz syndrome 2 (LDS2). Also called: Marfan syndrome, type 2 (formerly); TGFBR2-Related Loeys-Dietz Syndrome; AORTIC ANEURYSM, FAMILIAL THORACIC 3; MARFAN SYNDROME, TYPE II; Marfan Syndrome type 2; Marfan like connective tissue disorder. Identifiers: Orphanet 284973, Orphanet 558, MedGen C2674574, MONDO:0012427, OMIM 610168.

Submission:

All of Us Research Program, National Institutes of Health
Classification: Uncertain significance for Loeys-Dietz syndrome 2. Last evaluated: 2024-01-03. Review status: criteria provided, single submitter. Criteria: ACMG Guidelines, 2015. Collection method: clinical testing. Allele origin: germline. Inheritance: Autosomal dominant inheritance. Observed: 1 variant allele, 1 heterozygote.
Comment: This missense variant replaces arginine with glycine at codon 207 of the TGFBR2 protein. Computational prediction suggests that this variant may not impact protein structure and function (internally defined REVEL score threshold <= 0.5, PMID: 27666373). To our knowledge, functional studies have not been reported for this variant. This variant has not been reported in individuals affected with TGFBR2-related disorders in the literature. This variant has not been identified in the general population by the Genome Aggregation Database (gnomAD). The available evidence is insufficient to determine the role of this variant in disease conclusively. Therefore, this variant is classified as a Variant of Uncertain Significance.

This study involves interpretation of variants in research participants for the purpose of population health screening. Participant phenotype was not available at the time of variant classification. Additional details can be found in publication PMID: 35346344, PMCID: PMC8962531